The following is an entry in ClinVar:

NM_000217.3(KCNA1):c.856A>G (p.Thr286Ala)

Gene: KCNA1 (potassium voltage-gated channel subfamily A member 1; plus strand). Cytogenetic location: 12p13.32.
Variant type: single nucleotide variant.
Coding change: c.856A>G on transcript NM_000217.3 (MANE Select); coding-DNA position 856, A replaced by G.
Protein change: p.Thr286Ala; replaces threonine 286 with alanine.
Molecular consequence: missense variant.
Genome position (GRCh38, 1-based): chr12:4,912,234, A>G. VCF-style: chr12-4912234-A-G. GRCh37 (hg19) VCF-style: chr12-5021400-A-G.
Other names: short protein forms T286A.
Identifiers: ClinVar variation 2642595 (VCV002642595.24), dbSNP rs2497353279, ClinGen allele CA383455498.
Genomic context (GRCh38, chr12:4,912,234, plus strand): 5'-TTCATCACGCTGGGCACCGAGATAGCTGAGCAGGAAGGAAACCAGAAGGGCGAGCAGGCC[A>G]CCTCCCTGGCCATCCTCAGGGTCATCCGCTTGGTAAGGGTTTTTAGAATCTTCAAGCTCT-3'
Protein context (NP_000208.2, residues 276-296): QEGNQKGEQA[Thr286Ala]SLAILRVIRL

ClinVar aggregate classification (germline): Uncertain significance (1 of 4 stars; one submission).

Allele frequency attached by ClinVar (database versions not stated): gnomAD exomes below 0.00001.

Submission:

CeGaT Center for Human Genetics Tuebingen
Classification: Uncertain significance. Last evaluated: 2023-10-01. Review status: criteria provided, single submitter. Criteria: CeGaT Center For Human Genetics Tuebingen Variant Classification Criteria Version 2. Collection method: clinical testing. Allele origin: germline. Affected: yes. Observed: 1 variant allele.
Comment: KCNA1: PM2, PP2